The following is an entry in ClinVar:

NC_000019.10:g.(?_50401768)_(50417947_?)del

Gene: POLD1 (DNA polymerase delta 1, catalytic subunit; plus strand). Cytogenetic location: 19q13.33.
Variant type: Deletion.
Identifiers: ClinVar variation 832326 (VCV000832326.7).

ClinVar aggregate classification (germline): Uncertain significance (1 of 4 stars; one submission).

Conditions:
POLD1-related polyposis and colorectal cancer syndrome (CRCS10). Also called: Colorectal cancer 10; COLORECTAL CANCER, SUSCEPTIBILITY TO, ON CHROMOSOME 19q; Colorectal cancer, susceptibility to, 10. Identifiers: Orphanet 220460, MedGen C2675481, MONDO:0012953, OMIM 612591.

Submission:

Labcorp Genetics (formerly Invitae), Labcorp
Classification: Uncertain significance for POLD1-related polyposis and colorectal cancer syndrome. Last evaluated: 2022-11-15. Review status: criteria provided, single submitter. Criteria: Invitae Variant Classification Sherloc (09022015). Collection method: clinical testing. Allele origin: germline.
Comment: In summary, the available evidence is currently insufficient to determine the role of this variant in disease. Therefore, it has been classified as a Variant of Uncertain Significance. This variant has not been reported in the literature in individuals affected with POLD1-related conditions. This variant is a gross deletion of the genomic region encompassing exon(s) 4-27 of the POLD1 gene, which includes the termination codon. This deletion extends beyond the assayed region for this gene and therefore may encompass additional genes. While this deletion is not anticipated to lead to nonsense mediated decay, it is expected to alter mRNA translation or result in a truncated protein product.